The following is an entry in ClinVar:

ClinVar aggregate classification (germline): Uncertain significance. Review status: criteria provided, multiple submitters, no conflicts (2 of 4 stars). 2 submissions from 2 submitters: Uncertain significance (2). Last evaluated 2025-08-06.

Conditions:
Autosomal recessive limb-girdle muscular dystrophy type 2D (LGMDR3). Also called: ADHALINOPATHY, PRIMARY; DUCHENNE-LIKE AUTOSOMAL RECESSIVE MUSCULAR DYSTROPHY, TYPE 2; MUSCULAR DYSTROPHY, LIMB-GIRDLE, AUTOSOMAL RECESSIVE 3. Identifiers: Orphanet 62, MedGen C2936332, MONDO:0011968, OMIM 608099. Disease mechanism: Affects gamma-sarcoglycan and also disrupts the integrity of the entire sarcoglycan complex..

Submissions (2):

Myriad Genetics, Inc.
Classification: Uncertain significance for Autosomal recessive limb-girdle muscular dystrophy type 2D. Last evaluated: 2025-08-06. Review status: criteria provided, single submitter. Criteria: Myriad Autosomal Dominant, Autosomal Recessive and X-Linked Classification Criteria (2023). Collection method: clinical testing. Allele origin: unknown.
Comment: NM_000023.2(SGCA):c.588_599del12(Y197_V200del) is an in-frame deletion classified as a variant of uncertain significance in the context of alpha-sarcoglycanopathy. Y197_V200del has not been observed in cases with relevant disease. Relevant functional assessments of this variant are not available in the literature. Y197_V200del has not been observed in referenced population frequency databases. In summary, there is insufficient evidence to classify NM_000023.2(SGCA):c.588_599del12(Y197_V200del) as pathogenic or benign. Please note: this variant was assessed in the context of healthy population screening.

Labcorp Genetics (formerly Invitae), Labcorp
Classification: Uncertain significance for Autosomal recessive limb-girdle muscular dystrophy type 2D. Last evaluated: 2016-10-01. Review status: criteria provided, single submitter. Criteria: Invitae Variant Classification Sherloc (09022015). Collection method: clinical testing. Allele origin: germline.
Comment: In summary, this variant is a novel in-frame deletion with uncertain impact on protein function. Therefore, it has been classified as a Variant of Uncertain Significance. Algorithms developed to predict the effect of sequence changes on RNA splicing suggest that this variant may alter RNA splicing, but this prediction has not been confirmed by published transcriptional studies. This variant is not present in population databases (ExAC no frequency) and has not been reported in the literature in individuals with a SGCA-related disease. This sequence change deletes 12 nucleotides from exon 6 of the SGCA mRNA (c.588_599delATACATTAAGGT). This leads to the deletion of 4 amino acid residues in the SGCA protein (p.Tyr197_Val200del) but otherwise preserves the integrity of the reading frame.

NM_000023.4(SGCA):c.588_599del (p.Tyr197_Val200del)

Gene: SGCA (sarcoglycan alpha; plus strand). Cytogenetic location: 17q21.33.
Variant type: Deletion.
Coding change: c.588_599del on transcript NM_000023.4 (MANE Select); coding-DNA positions 588 to 599, 12 bases deleted (ATACATTAAGGT).
Protein change: p.Tyr197_Val200del.
Molecular consequence: inframe deletion. On other transcripts: non-coding transcript variant (1), intron variant (1).
Genome position (GRCh38, 1-based): chr17:50,169,095-50,169,106, ATACATTAAGGT deleted; deleting any 12 consecutive bases within chr17:50,169,092-50,169,106 gives the same sequence; the c. name uses the placement nearest the transcript's 3' end. VCF-style (leftmost placement, unchanged base first): chr17-50169091-GGGTATACATTAA-G. GRCh37 (hg19) VCF-style: chr17-48246452-GGGTATACATTAA-G.
Other names: c.584+523_584+534del (NM_001135697.3).
Identifiers: ClinVar variation 471335 (VCV000471335.8), dbSNP rs1555568966, ClinGen allele CA658656730.